The following is an entry in ClinVar:

ClinVar aggregate classification (germline): Uncertain significance (1 of 4 stars; one submission).

Submission:

Ambry Genetics
Classification: Uncertain significance. Last evaluated: 2024-12-10. Review status: criteria provided, single submitter. Criteria: Ambry Variant Classification Scheme 2023. Collection method: clinical testing. Allele origin: germline.
Comment: The p.A1177G variant (also known as c.3530C>G), located in coding exon 14 of the WNK2 gene, results from a C to G substitution at nucleotide position 3530. The alanine at codon 1177 is replaced by glycine, an amino acid with similar properties. This amino acid position is conserved. In addition, this alteration is predicted to be tolerated by in silico analysis. Based on the available evidence, the clinical significance of this variant remains unclear.

NM_006648.4(WNK2):c.3530C>G (p.Ala1177Gly)

Gene: WNK2 (WNK lysine deficient protein kinase 2; plus strand). Cytogenetic location: 9q22.31.
Variant type: single nucleotide variant.
Coding change: c.3530C>G on transcript NM_006648.4 (MANE Select); coding-DNA position 3530, C replaced by G.
Protein change: p.Ala1177Gly; replaces alanine 1177 with glycine.
Molecular consequence: missense variant.
Genome position (GRCh38, 1-based): chr9:93,263,685, C>G. VCF-style: chr9-93263685-C-G. GRCh37 (hg19) VCF-style: chr9-96025967-C-G.
Other names: c.3530C>G, p.Ala1177Gly (NM_001282394.3); short protein forms A1177G.
Identifiers: ClinVar variation 3470717 (VCV003470717.1).